The following is an entry in ClinVar:

NM_201384.3(PLEC):c.1903A>G (p.Lys635Glu)

Gene: PLEC (plectin; minus strand). Cytogenetic location: 8q24.3.
Variant type: single nucleotide variant.
Coding change: c.1903A>G on transcript NM_201384.3 (MANE Select); coding-DNA position 1903, A replaced by G.
Protein change: p.Lys635Glu; replaces lysine 635 with glutamic acid.
Molecular consequence: missense variant.
Genome position (GRCh38, 1-based): chr8:143,932,474, T>C on the plus strand (A>G on the coding strand, the complement: PLEC is on the minus strand). VCF-style: chr8-143932474-T-C. GRCh37 (hg19) VCF-style: chr8-145006642-T-C.
Other names: c.1984A>G (NM_000445.3); c.2314A>G, p.Lys772Glu (NM_201380.4); c.1807A>G, p.Lys603Glu (NM_201381.3); c.1903A>G, p.Lys635Glu (NM_201382.4); c.1915A>G, p.Lys639Glu (NM_201383.3); c.1984A>G, p.Lys662Glu (NM_000445.5, NM_001410941.1); c.1861A>G, p.Lys621Glu (NM_201378.4); c.1837A>G, p.Lys613Glu (NM_201379.3); short protein forms K603E, K613E, K635E, K621E, K639E, K772E, K662E.
Identifiers: ClinVar variation 2061094 (VCV002061094.6), dbSNP rs369207565, ClinGen allele CA4927798.

ClinVar aggregate classification (germline): Uncertain significance. Review status: criteria provided, multiple submitters, no conflicts (2 of 4 stars). 3 submissions from 3 submitters: Uncertain significance (3). Last evaluated 2026-04-07.

Conditions:
Epidermolysis bullosa simplex with nail dystrophy (EBS5D). Identifiers: MedGen C4225309, MONDO:0014661, OMIM 616487.
Epidermolysis bullosa simplex, Ogna type (EBS5A). Also called: EPIDERMOLYSIS BULLOSA SIMPLEX 5A, OGNA TYPE; Pidermolysis bullosa simplex 5A, Ogna type. Identifiers: Orphanet 79401, MedGen C0432317, MONDO:0007555, OMIM 131950.
Epidermolysis bullosa simplex 5C, with pyloric atresia (EBS5C). Also called: PLEC-Related Epidermolysis Bullosa with Pyloric Atresia; Epidermolysis bullosa simplex with pyloric atresia; PLEC1-Related Epidermolysis Bullosa with Pyloric Atresia. Identifiers: Orphanet 158684, MedGen C2677349, MONDO:0012807, OMIM 612138.
Autosomal recessive limb-girdle muscular dystrophy type 2Q (LGMDR17). Also called: MUSCULAR DYSTROPHY, LIMB-GIRDLE, AUTOSOMAL RECESSIVE 17. Identifiers: Orphanet 254361, MedGen C3150989, MONDO:0013390, OMIM 613723.
Epidermolysis bullosa simplex 5B, with muscular dystrophy (EBS5B). Also called: EPIDERMOLYSIS BULLOSA SIMPLEX AND LIMB-GIRDLE MUSCULAR DYSTROPHY; Epidermolysis bullosa simplex with muscular dystrophy. Identifiers: Orphanet 257, MedGen C2931072, MONDO:0009181, OMIM 226670.
Inborn genetic diseases. Identifiers: MedGen C0950123, MeSH D030342.

Allele frequency attached by ClinVar (database versions not stated): TOPMed 0.00002; ESP Exome Variant Server 0.00008; ExAC 0.00006; gnomAD 0.00003; gnomAD exomes 0.00003.
gnomAD v4.1: 40 of 1,612,592 alleles (0.0025%); highest among the groups gnomAD compares: East Asian, 0.013%; no homozygotes.

Submissions (3):

GeneDx
Classification: Uncertain significance. Last evaluated: 2026-04-07. Review status: criteria provided, single submitter. Criteria: GeneDx Variant Classification Process June 2021. Collection method: clinical testing. Allele origin: germline.
Comment: Not observed at significant frequency in large population cohorts (gnomAD); In silico analysis supports that this missense variant has a deleterious effect on protein structure/function; Missense variant in a gene in which most reported pathogenic variants are truncating/loss of function; Has not been previously published as pathogenic or benign to our knowledge

Ambry Genetics
Classification: Uncertain significance for Inborn genetic diseases. Last evaluated: 2025-09-25. Review status: criteria provided, single submitter. Criteria: Ambry Variant Classification Scheme 2023. Collection method: clinical testing. Allele origin: germline.

Labcorp Genetics (formerly Invitae), Labcorp
Classification: Uncertain significance for Autosomal recessive limb-girdle muscular dystrophy type 2Q; Epidermolysis bullosa simplex, Ogna type; Epidermolysis bullosa simplex with nail dystrophy; Epidermolysis bullosa simplex 5C, with pyloric atresia; Epidermolysis bullosa simplex 5B, with muscular dystrophy. Last evaluated: 2025-02-03. Review status: criteria provided, single submitter. Criteria: Invitae Variant Classification Sherloc (09022015). Collection method: clinical testing. Allele origin: germline.
Comment: This sequence change replaces lysine, which is basic and polar, with glutamic acid, which is acidic and polar, at codon 662 of the PLEC protein (p.Lys662Glu). This variant is present in population databases (rs369207565, gnomAD 0.01%). This variant has not been reported in the literature in individuals affected with PLEC-related conditions. ClinVar contains an entry for this variant (Variation ID: 2061094). Invitae Evidence Modeling of protein sequence and biophysical properties (such as structural, functional, and spatial information, amino acid conservation, physicochemical variation, residue mobility, and thermodynamic stability) indicates that this missense variant is not expected to disrupt PLEC protein function with a negative predictive value of 80%. In summary, the available evidence is currently insufficient to determine the role of this variant in disease. Therefore, it has been classified as a Variant of Uncertain Significance.